The following is an entry in ClinVar:

ClinVar aggregate classification (germline): Uncertain significance. Review status: criteria provided, multiple submitters, no conflicts (2 of 4 stars). 2 submissions from 2 submitters: Uncertain significance (2). Last evaluated 2024-05-10.

Conditions:
Bartter disease type 1. Also called: HYPERPROSTAGLANDIN E SYNDROME 1; Bartter syndrome, type 1, antenatal; Bartter Syndrome type 1; HYPOKALEMIC ALKALOSIS WITH HYPERCALCIURIA 1, ANTENATAL. Identifiers: Orphanet 112, Orphanet 620217, MedGen C1866495, MONDO:0100344, OMIM 601678, MONDO:0011127.

Allele frequency attached by ClinVar (database versions not stated): gnomAD exomes 0.00001.

Submissions (2):

Fulgent Genetics
Classification: Uncertain significance for Bartter disease type 1. Last evaluated: 2024-05-10. Review status: criteria provided, single submitter. Criteria: ACMG Guidelines, 2015. Collection method: clinical testing. Allele origin: germline.

Labcorp Genetics (formerly Invitae), Labcorp
Classification: Uncertain significance. Last evaluated: 2021-12-03. Review status: criteria provided, single submitter. Criteria: Invitae Variant Classification Sherloc (09022015). Collection method: clinical testing. Allele origin: germline.
Comment: This sequence change replaces valine, which is neutral and non-polar, with isoleucine, which is neutral and non-polar, at codon 332 of the SLC12A1 protein (p.Val332Ile). This variant is present in population databases (no rsID available, gnomAD 0.002%). This variant has not been reported in the literature in individuals affected with SLC12A1-related conditions. Algorithms developed to predict the effect of missense changes on protein structure and function output the following: SIFT: "Tolerated"; PolyPhen-2: "Benign"; Align-GVGD: "Class C0". The isoleucine amino acid residue is found in multiple mammalian species, which suggests that this missense change does not adversely affect protein function. In summary, the available evidence is currently insufficient to determine the role of this variant in disease. Therefore, it has been classified as a Variant of Uncertain Significance.

NM_000338.3(SLC12A1):c.994G>A (p.Val332Ile)

Gene: SLC12A1 (solute carrier family 12 member 1; plus strand). Cytogenetic location: 15q21.1.
Variant type: single nucleotide variant.
Coding change: c.994G>A on transcript NM_000338.3 (MANE Select); coding-DNA position 994, G replaced by A.
Protein change: p.Val332Ile; replaces valine 332 with isoleucine.
Molecular consequence: missense variant.
Genome position (GRCh38, 1-based): chr15:48,232,745, G>A. VCF-style: chr15-48232745-G-A. GRCh37 (hg19) VCF-style: chr15-48524942-G-A.
Other names: c.994G>A, p.Val332Ile (NM_001184832.2, NM_001384136.1); short protein forms V332I.
Identifiers: ClinVar variation 1516963 (VCV001516963.4), dbSNP rs1489441341, ClinGen allele CA392307863.